The following is an entry in ClinVar:

NM_006393.3(NEBL):c.242G>A (p.Gly81Asp)

Gene: NEBL (nebulette; minus strand). Cytogenetic location: 10p12.31.
Variant type: single nucleotide variant.
Coding change: c.242G>A on transcript NM_006393.3 (MANE Select); coding-DNA position 242, G replaced by A.
Protein change: p.Gly81Asp; replaces glycine 81 with aspartic acid.
Molecular consequence: missense variant. On other transcripts: intron variant (9).
Genome position (GRCh38, 1-based): chr10:20,889,861, C>T on the plus strand (G>A on the coding strand, the complement: NEBL is on the minus strand). VCF-style: chr10-20889861-C-T. GRCh37 (hg19) VCF-style: chr10-21178790-C-T.
Other names: c.249+71811G>A (NM_001377326.1, NM_001377327.1, NM_001377328.1); c.357+71811G>A (NM_213569.2, NM_001173484.2, NM_001377322.1); c.300+71811G>A (NM_001377324.1); c.291+71811G>A (NM_001377325.1); c.309+71811G>A (NM_001377323.1); short protein forms G81D.
Identifiers: ClinVar variation 454269 (VCV000454269.10), dbSNP rs1442801795, ClinGen allele CA376096391.

ClinVar aggregate classification (germline): Uncertain significance (1 of 4 stars; one submission).

Conditions:
Primary dilated cardiomyopathy (DCM). Also called: Dilated Cardiomyopathy. Identifiers: Orphanet 217604, MedGen C0007193, MeSH D002311, MONDO:0005021, HP:0001644. Inheritance: Various modes of inheritance.

gnomAD v4.1: 8 of 1,610,266 alleles (0.0005%); highest among the groups gnomAD compares: Non-Finnish European, 0.00068%; no homozygotes.

Submission:

Labcorp Genetics (formerly Invitae), Labcorp
Classification: Uncertain significance for Primary dilated cardiomyopathy. Last evaluated: 2022-09-27. Review status: criteria provided, single submitter. Criteria: Invitae Variant Classification Sherloc (09022015). Collection method: clinical testing. Allele origin: germline.
Comment: This variant has not been reported in the literature in individuals affected with NEBL-related conditions. This sequence change replaces glycine, which is neutral and non-polar, with aspartic acid, which is acidic and polar, at codon 81 of the NEBL protein (p.Gly81Asp). This variant is not present in population databases (gnomAD no frequency). ClinVar contains an entry for this variant (Variation ID: 454269). Algorithms developed to predict the effect of missense changes on protein structure and function (SIFT, PolyPhen-2, Align-GVGD) all suggest that this variant is likely to be tolerated. In summary, the available evidence is currently insufficient to determine the role of this variant in disease. Therefore, it has been classified as a Variant of Uncertain Significance.